The following is an entry in ClinVar:

NM_001166108.2(PALLD):c.940A>G (p.Thr314Ala)

Gene: PALLD (palladin, cytoskeletal associated protein; plus strand). Cytogenetic location: 4q32.3.
Variant type: single nucleotide variant.
Coding change: c.940A>G on transcript NM_001166108.2 (MANE Select); coding-DNA position 940, A replaced by G.
Protein change: p.Thr314Ala; replaces threonine 314 with alanine.
Molecular consequence: missense variant. On other transcripts: 5 prime UTR variant (1).
Genome position (GRCh38, 1-based): chr4:168,668,221, A>G. VCF-style: chr4-168668221-A-G. GRCh37 (hg19) VCF-style: chr4-169589372-A-G.
Other names: c.-207A>G (NM_001166109.2); c.940A>G, p.Thr314Ala (NM_016081.4); short protein forms T314A.
Identifiers: ClinVar variation 1766869 (VCV001766869.3), dbSNP rs2531424484, ClinGen allele CA358793648.

ClinVar aggregate classification (germline): Uncertain significance (1 of 4 stars; one submission).

Allele frequency attached by ClinVar (database versions not stated): gnomAD exomes below 0.00001.
gnomAD v4.1: 2 of 1,613,872 alleles (0.00012%); highest among the groups gnomAD compares: Non-Finnish European, 0.00017%; no homozygotes.

Submission:

Ambry Genetics
Classification: Uncertain significance. Last evaluated: 2024-06-28. Review status: criteria provided, single submitter. Criteria: Ambry Variant Classification Scheme 2023. Collection method: clinical testing. Allele origin: germline.
Comment: The p.T314A variant (also known as c.940A>G), located in coding exon 2 of the PALLD gene, results from an A to G substitution at nucleotide position 940. The threonine at codon 314 is replaced by alanine, an amino acid with similar properties. This amino acid position is conserved. In addition, this alteration is predicted to be tolerated by in silico analysis. Since supporting evidence is limited at this time, the clinical significance of this alteration remains unclear.